The following is an entry in ClinVar:

NM_000264.5(PTCH1):c.3551T>C (p.Val1184Ala)

Gene: PTCH1 (patched 1; minus strand). Cytogenetic location: 9q22.32.
Variant type: single nucleotide variant.
Coding change: c.3551T>C on transcript NM_000264.5 (MANE Select); coding-DNA position 3551, T replaced by C.
Protein change: p.Val1184Ala; replaces valine 1184 with alanine.
Molecular consequence: missense variant. On other transcripts: non-coding transcript variant (1).
Genome position (GRCh38, 1-based): chr9:95,449,322, A>G on the plus strand (T>C on the coding strand, the complement: PTCH1 is on the minus strand). VCF-style: chr9-95449322-A-G. GRCh37 (hg19) VCF-style: chr9-98211604-A-G.
Other names: c.3353T>C, p.Val1118Ala (NM_001083602.3); c.3548T>C, p.Val1183Ala (NM_001083603.3); c.3098T>C, p.Val1033Ala (NM_001083604.3, NM_001083605.3, NM_001083606.3 and 1 more transcripts); c.3395T>C, p.Val1132Ala (NM_001354918.2); short protein forms V1132A, V1184A, V1183A, V1033A, V1118A.
Identifiers: ClinVar variation 1732605 (VCV001732605.3), dbSNP rs1838243726, ClinGen allele CA374111414.

ClinVar aggregate classification (germline): Uncertain significance (1 of 4 stars; one submission).

Conditions:
Hereditary cancer-predisposing syndrome. Also called: Neoplastic Syndromes, Hereditary; Tumor predisposition; Hereditary Cancer Syndrome; Hereditary neoplastic syndrome. Identifiers: Orphanet 140162, MedGen C0027672, MeSH D009386, MONDO:0015356.

Submission:

Ambry Genetics
Classification: Uncertain significance for Hereditary cancer-predisposing syndrome. Last evaluated: 2025-04-06. Review status: criteria provided, single submitter. Criteria: Ambry Variant Classification Scheme 2023. Collection method: clinical testing. Allele origin: germline.
Comment: The p.V1184A variant (also known as c.3551T>C), located in coding exon 22 of the PTCH1 gene, results from a T to C substitution at nucleotide position 3551. The valine at codon 1184 is replaced by alanine, an amino acid with similar properties. This amino acid position is conserved. In addition, this alteration is predicted to be deleterious by in silico analysis. Since supporting evidence is limited at this time, the clinical significance of this alteration remains unclear.